The following is an entry in ClinVar:

ClinVar aggregate classification (germline): Uncertain significance (1 of 4 stars; one submission).

Allele frequency attached by ClinVar (database versions not stated): gnomAD exomes below 0.00001.
gnomAD v4.1: 2 of 1,551,926 alleles (0.00013%); highest among the groups gnomAD compares: South Asian, 0.0012%; no homozygotes.

Submission:

CeGaT Center for Human Genetics Tuebingen
Classification: Uncertain significance. Last evaluated: 2025-10-01. Review status: criteria provided, single submitter. Criteria: CeGaT Center For Human Genetics Tuebingen Variant Classification Criteria Version 2. Collection method: clinical testing. Allele origin: germline. Affected: yes. Observed: 3 variant alleles.
Comment: KMT2B: PM2:Supporting, BP4

NM_014727.3(KMT2B):c.1103A>G (p.Lys368Arg)

Gene: KMT2B (lysine methyltransferase 2B; plus strand). Cytogenetic location: 19q13.12.
Variant type: single nucleotide variant.
Coding change: c.1103A>G on transcript NM_014727.3 (MANE Select); coding-DNA position 1103, A replaced by G.
Protein change: p.Lys368Arg; replaces lysine 368 with arginine.
Molecular consequence: missense variant.
Genome position (GRCh38, 1-based): chr19:35,720,450, A>G. VCF-style: chr19-35720450-A-G. GRCh37 (hg19) VCF-style: chr19-36211352-A-G.
Other names: short protein forms K368R.
Identifiers: ClinVar variation 808516 (VCV000808516.42), dbSNP rs1599669524, ClinGen allele CA405384528.
Genomic context (GRCh38, chr19:35,720,450, plus strand): 5'-AGGGAGGGAGCCCTTGCTGGAAAAAGCAGGAACAGAAGCTGGATGACGAGGAAGAAGAGA[A>G]GAAAGAAGAAGAAGAAAAAGACAAGGAGGGAGAAGAGAAGGAAGAAAGAGCTGTAGCTGA-3'
Protein context (NP_055542.1, residues 358-378): EQKLDDEEEE[Lys368Arg]KEEEEKDKEG